The following is an entry in ClinVar:

NM_001042492.3(NF1):c.3557_3561del (p.Ile1186fs)

Gene: NF1 (neurofibromin 1; plus strand). Cytogenetic location: 17q11.2.
Variant type: Deletion.
Coding change: c.3557_3561del on transcript NM_001042492.3 (MANE Select); coding-DNA positions 3557 to 3561, 5 bases deleted (TCCTT; older notation c.3557_3561delTCCTT).
Protein change: p.Ile1186fs; shifts the reading frame from isoleucine 1186.
Molecular consequence: frameshift variant.
Genome position (GRCh38, 1-based): chr17:31,233,062-31,233,066, TCCTT deleted. VCF-style (leftmost placement, unchanged base first): chr17-31233061-ATCCTT-A. GRCh37 (hg19) VCF-style: chr17-29560079-ATCCTT-A.
Other names: c.3557_3561delTCCTT, p.Ile1186Thrfs (NM_000267.4); short protein forms I1186fs.
Identifiers: ClinVar variation 1686664 (VCV001686664.2), dbSNP rs2151435421, ClinGen allele CA2573153353.

ClinVar aggregate classification (germline): Pathogenic (1 of 4 stars; one submission).

Submission:

GeneDx
Classification: Pathogenic. Last evaluated: 2022-05-17. Review status: criteria provided, single submitter. Criteria: GeneDx Variant Classification Process June 2021. Collection method: clinical testing. Allele origin: germline. Affected: yes.
Comment: Frameshift variant predicted to result in protein truncation or nonsense mediated decay in a gene for which loss-of-function is a known mechanism of disease; Not observed in large population cohorts (gnomAD); Has not been previously published as pathogenic or benign to our knowledge